The following is an entry in ClinVar:

ClinVar aggregate classification (germline): Pathogenic. Review status: criteria provided, multiple submitters, no conflicts (2 of 4 stars). 3 submissions from 3 submitters: Pathogenic (3). Last evaluated 2025-12-30.

Conditions:
Citrullinemia, type II, adult-onset (CDAA). Also called: CITRIN DEFICIENCY, ADOLESCENT OR ADULT ONSET. Identifiers: Orphanet 247585, MedGen CN295299, MONDO:0011326, OMIM 603471.
Neonatal intrahepatic cholestasis due to citrin deficiency (CDNI). Also called: Neonatal-onset citrullinemia type II; Neonatal-onset citrullinemia type 2; Neonatal Intrahepatic Cholestasis Caused by Citrin Deficiency (NICCD); CITRIN DEFICIENCY, NEONATAL OR INFANTILE ONSET. Identifiers: Orphanet 247598, MedGen C1853942, MONDO:0011601, OMIM 605814.
Citrin deficiency. Identifiers: Orphanet 247582, MedGen C1997910, MONDO:0016602.

Submissions (3):

Labcorp Genetics (formerly Invitae), Labcorp
Classification: Pathogenic for Citrin deficiency. Last evaluated: 2025-12-30. Review status: criteria provided, single submitter. Criteria: Invitae Variant Classification Sherloc (09022015). Collection method: clinical testing. Allele origin: germline.
Comment: This sequence change creates a premature translational stop signal (p.Leu537Tyrfs*2) in the SLC25A13 gene. It is expected to result in an absent or disrupted protein product. Loss-of-function variants in SLC25A13 are known to be pathogenic (PMID: 10369257, 14680984, 27405544). Information on the frequency of this variant in the gnomAD database is not available, as this variant may be reported differently in the database. This premature translational stop signal has been observed in individual(s) with citrin deficiency (PMID: 19517266, 29787821). ClinVar contains an entry for this variant (Variation ID: 1379532). For these reasons, this variant has been classified as Pathogenic.

Fulgent Genetics
Classification: Pathogenic for Citrullinemia, type II, adult-onset; Neonatal intrahepatic cholestasis due to citrin deficiency. Last evaluated: 2024-02-21. Review status: criteria provided, single submitter. Criteria: ACMG Guidelines, 2015. Collection method: clinical testing. Allele origin: germline.

Baylor Genetics
Classification: Pathogenic for Citrullinemia, type II, adult-onset. Last evaluated: 2023-08-07. Review status: criteria provided, single submitter. Criteria: ACMG Guidelines, 2015. Collection method: clinical testing. Allele origin: unknown.

Literature cited by the submitters: PubMed 10369257 (cited by Labcorp Genetics (formerly Invitae), Labcorp); PubMed 14680984 (cited by Labcorp Genetics (formerly Invitae), Labcorp); PubMed 27405544 (cited by Labcorp Genetics (formerly Invitae), Labcorp); PubMed 19517266 (cited by Labcorp Genetics (formerly Invitae), Labcorp); PubMed 29787821 (cited by Labcorp Genetics (formerly Invitae), Labcorp).

NM_014251.3(SLC25A13):c.1610_1612delinsAT (p.Leu537fs)

Gene: SLC25A13 (solute carrier family 25 member 13; minus strand). Cytogenetic location: 7q21.3.
Variant type: Indel.
Coding change: c.1610_1612delinsAT on transcript NM_014251.3 (MANE Select); coding-DNA positions 1610 to 1612, TAG replaced by AT.
Protein change: p.Leu537fs; shifts the reading frame from leucine 537.
Molecular consequence: frameshift variant. On other transcripts: non-coding transcript variant (1).
Genome position (GRCh38, 1-based): chr7:96,121,977-96,121,979, CTA replaced by AT on the plus strand (TAG replaced by AT on the coding strand, the reverse complement: SLC25A13 is on the minus strand). VCF-style: chr7-96121977-CTA-AT. GRCh37 (hg19) VCF-style: chr7-95751289-CTA-AT.
Other names: c.1613_1615delinsAT, p.Leu538fs (NM_001160210.2); short protein forms L537fs, L538fs.
Identifiers: ClinVar variation 2678819 (VCV002678819.3), dbSNP rs2485543807, ClinGen allele CA2695199582.